The following is an entry in ClinVar:

ClinVar aggregate classification (germline): Pathogenic (1 of 4 stars; one submission).

Conditions:
Methylmalonic aciduria due to complete methylmalonyl-CoA mutase deficiency.

Submission:

Natera, Inc.
Classification: Pathogenic for Methylmalonic aciduria due to complete methylmalonyl-CoA mutase deficiency. Last evaluated: 2024-04-11. Review status: criteria provided, single submitter. Criteria: Natera Variant Classification Schema (03/2026). Collection method: clinical testing. Allele origin: germline.
Comment: The c.1A>G variant in MMUT is predicted to result in start loss due to disruption of the initiator methionine. This variant is expected to result in nonsense mediated decay, truncation, or a dysfunctional protein product. This variant is rare in the general population with a frequency below the threshold expected for the associated phenotype(s). This variant has been observed in one or more individuals affected with the associated recessive disease, as either homozygous or compound heterozygous with a second variant (PMID: 17075691, 27233228). Given the available evidence, this variant is classified as Pathogenic.

Literature cited by the submitters: PubMed 17075691; PubMed 27233228.

NM_000255.4(MMUT):c.1A>G (p.Met1Val)

Gene: MMUT (methylmalonyl-CoA mutase; minus strand). Cytogenetic location: 6p12.3.
Variant type: single nucleotide variant.
Coding change: c.1A>G on transcript NM_000255.4 (MANE Select); coding-DNA position 1, A replaced by G.
Protein change: p.Met1Val; changes the start codon (methionine 1).
Molecular consequence: missense variant, initiator codon variant.
Genome position (GRCh38, 1-based): chr6:49,459,466, T>C on the plus strand (A>G on the coding strand, the complement: MMUT is on the minus strand). VCF-style: chr6-49459466-T-C. GRCh37 (hg19) VCF-style: chr6-49427179-T-C.
Other names: short protein forms M1V.
Identifiers: ClinVar variation 4818000 (VCV004818000.1).